The following is an entry in ClinVar:

ClinVar aggregate classification (germline): Uncertain significance. Review status: criteria provided, multiple submitters, no conflicts (2 of 4 stars). 2 submissions from 2 submitters: Uncertain significance (2). Last evaluated 2024-08-14.

Conditions:
Inborn genetic diseases. Identifiers: MedGen C0950123, MeSH D030342.

Allele frequency attached by ClinVar (database versions not stated): ExAC 0.00005; gnomAD 0.00013 and 0.00014; TOPMed 0.00017.

Submissions (2):

Ambry Genetics
Classification: Uncertain significance for Inborn genetic diseases. Last evaluated: 2024-08-14. Review status: criteria provided, single submitter. Criteria: Ambry Variant Classification Scheme 2023. Collection method: clinical testing. Allele origin: germline.

GeneDx
Classification: Uncertain significance. Last evaluated: 2023-03-07. Review status: criteria provided, single submitter. Criteria: GeneDx Variant Classification Process June 2021. Collection method: clinical testing. Allele origin: germline. Affected: yes.
Comment: Has not been previously published as pathogenic or benign to our knowledge; In silico analysis supports that this missense variant does not alter protein structure/function; This variant is associated with the following publications: (PMID: 27535533)

NM_020774.4(MIB1):c.1295A>G (p.Asn432Ser)

Gene: MIB1 (MIB E3 ubiquitin protein ligase 1; plus strand). Cytogenetic location: 18q11.2.
Variant type: single nucleotide variant.
Coding change: c.1295A>G on transcript NM_020774.4 (MANE Select); coding-DNA position 1295, A replaced by G.
Protein change: p.Asn432Ser; replaces asparagine 432 with serine.
Molecular consequence: missense variant.
Genome position (GRCh38, 1-based): chr18:21,799,898, A>G. VCF-style: chr18-21799898-A-G. GRCh37 (hg19) VCF-style: chr18-19379859-A-G.
Other names: c.1295A>G (NM_020774.2); short protein forms N432S.
Identifiers: ClinVar variation 1327212 (VCV001327212.4), dbSNP rs759225220, ClinGen allele CA8908262.